The following is an entry in ClinVar:

NM_173551.5(ANKS6):c.705T>G (p.Thr235=)

Gene: ANKS6 (ankyrin repeat and sterile alpha motif domain containing 6; minus strand). Cytogenetic location: 9q22.33.
Variant type: single nucleotide variant.
Coding change: c.705T>G on transcript NM_173551.5 (MANE Select); coding-DNA position 705, T replaced by G.
Protein change: p.Thr235=; no amino-acid change (threonine 235 retained).
Molecular consequence: synonymous variant.
Genome position (GRCh38, 1-based): chr9:98,790,261, A>C on the plus strand (T>G on the coding strand, the complement: ANKS6 is on the minus strand). VCF-style: chr9-98790261-A-C. GRCh37 (hg19) VCF-style: chr9-101552543-A-C.
Identifiers: ClinVar variation 3353011 (VCV003353011.3).
Genomic context (GRCh38, chr9:98,790,261, plus strand): 5'-GCTGAGGTGGTCAGGGTTGGCGCCCTTCTCCACCAGCTGCTGGGCCACTCCAAGCCGCCC[A>C]GTGAGTGCGGCCAGCATCAGCGGGCTCCAGCCCACGGTCCGGGCTGCGTGGTTGGGGTCC-3'
Protein context (NP_775822.3, residues 225-245): GWSPLMLAAL[Thr235=]GRLGVAQQLV

ClinVar aggregate classification (germline): Likely benign. Review status: criteria provided, single submitter (1 of 4 stars). 2 submissions from 2 submitters: Likely benign (1). 1 of the submissions does not count toward it. Last evaluated 2024-07-15.

Conditions:
Nephronophthisis 16 (NPHP16). Identifiers: Orphanet 655, MedGen C3809320, MONDO:0014158, OMIM 615382.
ANKS6-related disorder. Also called: ANKS6-related condition.

gnomAD v4.1: 100 of 1,605,084 alleles (0.0062%); highest among the groups gnomAD compares: East Asian, 0.22%; 1 homozygote.

Submissions (2):

Labcorp Genetics (formerly Invitae), Labcorp
Classification: Likely benign for Nephronophthisis 16. Last evaluated: 2024-07-15. Review status: criteria provided, single submitter. Criteria: Invitae Variant Classification Sherloc (09022015). Collection method: clinical testing. Allele origin: germline.

PreventionGenetics, part of Exact Sciences
Classification: Likely benign for ANKS6-related condition. Last evaluated: 2024-05-17. Review status: no assertion criteria provided. Collection method: clinical testing. Allele origin: germline. Not counted in ClinVar's aggregate classification.
Comment: This variant is classified as likely benign based on ACMG/AMP sequence variant interpretation guidelines (Richards et al. 2015 PMID: 25741868, with internal and published modifications).